The following is an entry in ClinVar:

ClinVar aggregate classification (germline): Uncertain significance (1 of 4 stars; one submission).

Submission:

GeneDx
Classification: Uncertain significance. Last evaluated: 2025-04-15. Review status: criteria provided, single submitter. Criteria: GeneDx Variant Classification Process June 2021. Collection method: clinical testing. Allele origin: germline. Affected: yes.
Comment: Not observed at significant frequency in large population cohorts (gnomAD); In silico analysis indicates that this variant does not alter protein structure/function; Has not been previously published as pathogenic or benign to our knowledge

NM_004369.4(COL6A3):c.3278_3279delinsGA (p.Asn1093Arg)

Gene: COL6A3 (collagen type VI alpha 3 chain; minus strand). Cytogenetic location: 2q37.3.
Variant type: Indel.
Coding change: c.3278_3279delinsGA on transcript NM_004369.4 (MANE Select); coding-DNA positions 3278 to 3279, AC replaced by GA.
Protein change: p.Asn1093Arg; replaces asparagine 1093 with arginine.
Molecular consequence: missense variant.
Genome position (GRCh38, 1-based): chr2:237,374,812-237,374,813, GT replaced by TC on the plus strand (AC replaced by GA on the coding strand, the reverse complement: COL6A3 is on the minus strand). VCF-style: chr2-237374812-GT-TC. GRCh37 (hg19) VCF-style: chr2-238283455-GT-TC.
Other names: c.3278_3279delACinsGA, p.Asn1093Arg (NM_004369.3); c.2057_2058delinsGA, p.Asn686Arg (NM_057164.5); c.2660_2661delinsGA, p.Asn887Arg (NM_057165.5, NM_057167.4); c.1457_1458delinsGA, p.Asn486Arg (NM_057166.5); short protein forms N1093R, N486R, N686R, N887R.
Identifiers: ClinVar variation 4282208 (VCV004282208.1).